The following is an entry in ClinVar:

NM_001194998.2(CEP152):c.1043del (p.His348fs)

Gene: CEP152 (centrosomal protein 152; minus strand). Cytogenetic location: 15q21.1.
Variant type: Deletion.
Coding change: c.1043del on transcript NM_001194998.2 (MANE Select); coding-DNA position 1043, one base deleted (A; older notation c.1043delA).
Protein change: p.His348fs; shifts the reading frame from histidine 348.
Molecular consequence: frameshift variant.
Genome position (GRCh38, 1-based): chr15:48,788,931, T deleted on the plus strand (A on the coding strand, the reverse complement: CEP152 is on the minus strand). VCF-style (leftmost placement, unchanged base first): chr15-48788930-AT-A. GRCh37 (hg19) VCF-style: chr15-49081127-AT-A.
Other names: c.1043del, p.His348fs (NM_014985.4); short protein forms H348fs.
Identifiers: ClinVar variation 2702221 (VCV002702221.3), dbSNP rs2504863002, ClinGen allele CA2697549079.
Genomic context (GRCh38, chr15:48,788,930, plus strand): 5'-CTTTGTGAGGCCCATAACAATGCTCTCATGCTGTTCTCTAGCTCGTTGAAGTGATTCAGA[AT>A]GATGAAGGTCCACCAGCTGCTGCTTCAAGCTTTCCAGAGCCATTTCAGTTGTTCTGGACT-3'

ClinVar aggregate classification (germline): Pathogenic (1 of 4 stars; one submission).

Submission:

Labcorp Genetics (formerly Invitae), Labcorp
Classification: Pathogenic. Last evaluated: 2023-12-11. Review status: criteria provided, single submitter. Criteria: Invitae Variant Classification Sherloc (09022015). Collection method: clinical testing. Allele origin: germline.
Comment: This sequence change creates a premature translational stop signal (p.His348Leufs*51) in the CEP152 gene. It is expected to result in an absent or disrupted protein product. Loss-of-function variants in CEP152 are known to be pathogenic (PMID: 21131973). This variant is not present in population databases (gnomAD no frequency). This variant has not been reported in the literature in individuals affected with CEP152-related conditions. For these reasons, this variant has been classified as Pathogenic.

Literature cited by the submitters: PubMed 21131973.